The following is an entry in ClinVar:

ClinVar aggregate classification (germline): Uncertain significance (1 of 4 stars; one submission).

Conditions:
Adenylosuccinate lyase deficiency (ADSLD). Also called: ADSL DEFICIENCY. Identifiers: Orphanet 46, MedGen C0268126, MONDO:0007068, OMIM 103050.

gnomAD v4.1: 9 of 1,597,860 alleles (0.00056%); highest among the groups gnomAD compares: South Asian, 0.01%; no homozygotes.

Submission:

Labcorp Genetics (formerly Invitae), Labcorp
Classification: Uncertain significance for Adenylosuccinate lyase deficiency. Last evaluated: 2021-03-24. Review status: criteria provided, single submitter. Criteria: Invitae Variant Classification Sherloc (09022015). Collection method: clinical testing. Allele origin: germline.
Comment: This variant occurs in a non-coding region of the ADSL gene. It does not change the encoded amino acid sequence of the ADSL protein. This variant is not present in population databases (ExAC no frequency). This variant has not been reported in the literature in individuals with ADSL-related conditions. Experimental studies and prediction algorithms are not available or were not evaluated, and the functional significance of this variant is currently unknown. In summary, the available evidence is currently insufficient to determine the role of this variant in disease. Therefore, it has been classified as a Variant of Uncertain Significance.

NM_000026.4(ADSL):c.-18C>A

Gene: ADSL (adenylosuccinate lyase; plus strand). Cytogenetic location: 22q13.1.
Variant type: single nucleotide variant.
Coding change: c.-18C>A on transcript NM_000026.4 (MANE Select); 18 bases upstream of the start codon, C replaced by A.
Molecular consequence: 5 prime UTR variant. On other transcripts: non-coding transcript variant (1).
Genome position (GRCh38, 1-based): chr22:40,346,541, C>A. VCF-style: chr22-40346541-C-A. GRCh37 (hg19) VCF-style: chr22-40742545-C-A.
Other names: c.-18C>A (NM_001123378.3, NM_001363840.3); c.-155C>A (NM_001317923.2).
Identifiers: ClinVar variation 1444266 (VCV001444266.3), dbSNP rs745531733, ClinGen allele CA639408398.
Genomic context (GRCh38, chr22:40,346,541, plus strand): 5'-CCGTCCTGCCCTGGCCTCCAGGTTTCCGCTTCCGCTCTTCCCTGGTCCAGTCCACCCTGG[C>A]GGGGTCGCAGGGTTGGGATGGCGGCTGGAGGCGATCATGGTTCGCCCGACAGCTACCGCT-3'